The following is an entry in ClinVar:

ClinVar aggregate classification (germline): Likely benign (1 of 4 stars; one submission).

gnomAD v4.1: 541 of 1,289,456 alleles (0.042%); highest among the groups gnomAD compares: South Asian, 0.11%; no homozygotes.

Submission:

CeGaT Center for Human Genetics Tuebingen
Classification: Likely benign. Last evaluated: 2025-09-01. Review status: criteria provided, single submitter. Criteria: CeGaT Center For Human Genetics Tuebingen Variant Classification Criteria Version 2. Collection method: clinical testing. Allele origin: germline. Affected: yes. Observed: 1 variant allele.
Comment: TMEM80: BP4, BP7

NM_001276274.2(TMEM80):c.522C>T (p.Leu174=)

Genes: DEAF1 (DEAF1 transcription factor; minus strand), TMEM80 (transmembrane protein 80; plus strand). Cytogenetic location: 11p15.5.
Variant type: single nucleotide variant.
Coding change: c.522C>T on transcript NM_001276274.2; coding-DNA position 522, C replaced by T.
Protein change: p.Leu174=; no amino-acid change (leucine 174 retained).
Molecular consequence: synonymous variant. On other transcripts: intron variant (1).
Genome position (GRCh38, 1-based): chr11:704,535, C>T. VCF-style: chr11-704535-C-T. GRCh37 (hg19) VCF-style: chr11-704535-C-T.
Other names: c.-438+2037G>A (NM_001367390.1).
Identifiers: ClinVar variation 4280900 (VCV004280900.7).